The following is an entry in ClinVar:

NM_013336.4(SEC61A1):c.403G>A (p.Gly135Arg)

Gene: SEC61A1 (SEC61 translocon subunit alpha 1; plus strand). Cytogenetic location: 3q21.3.
Variant type: single nucleotide variant.
Coding change: c.403G>A on transcript NM_013336.4 (MANE Select); coding-DNA position 403, G replaced by A.
Protein change: p.Gly135Arg; replaces glycine 135 with arginine.
Molecular consequence: missense variant.
Genome position (GRCh38, 1-based): chr3:128,060,152, G>A. VCF-style: chr3-128060152-G-A. GRCh37 (hg19) VCF-style: chr3-127778995-G-A.
Other names: c.421G>A, p.Gly141Arg (NM_001400328.1); c.244G>A, p.Gly82Arg (NM_001400329.1); short protein forms G135R, G141R, G82R.
Identifiers: ClinVar variation 1999383 (VCV001999383.4), dbSNP rs374442012, ClinGen allele CA2598393.

ClinVar aggregate classification (germline): Uncertain significance (1 of 4 stars; one submission).

Allele frequency attached by ClinVar (database versions not stated): gnomAD exomes below 0.00001; ExAC 0.00001; gnomAD 0.00002; TOPMed 0.00002; ESP Exome Variant Server 0.00008.
gnomAD v4.1: 5 of 1,613,876 alleles (0.00031%); highest among the groups gnomAD compares: African/African-American, 0.004%; no homozygotes.

Submission:

Labcorp Genetics (formerly Invitae), Labcorp
Classification: Uncertain significance. Last evaluated: 2022-06-19. Review status: criteria provided, single submitter. Criteria: Invitae Variant Classification Sherloc (09022015). Collection method: clinical testing. Allele origin: germline.
Comment: In summary, the available evidence is currently insufficient to determine the role of this variant in disease. Therefore, it has been classified as a Variant of Uncertain Significance. Algorithms developed to predict the effect of missense changes on protein structure and function (SIFT, PolyPhen-2, Align-GVGD) all suggest that this variant is likely to be disruptive. This variant has not been reported in the literature in individuals affected with SEC61A1-related conditions. This variant is present in population databases (rs374442012, gnomAD 0.007%). This sequence change replaces glycine, which is neutral and non-polar, with arginine, which is basic and polar, at codon 135 of the SEC61A1 protein (p.Gly135Arg).